The following is an entry in ClinVar:

ClinVar aggregate classification (germline): Uncertain significance (1 of 4 stars; one submission).

Submission:

Women's Health and Genetics/Laboratory Corporation of America, LabCorp
Classification: Uncertain significance. Last evaluated: 2024-08-12. Review status: criteria provided, single submitter. Criteria: LabCorp Variant Classification Summary - May 2015. Collection method: clinical testing. Allele origin: germline.
Comment: Variant summary: PCCB c.387_388insAAC (p.Phe129_Gly130insAsn) results in an in-frame insertion that is predicted to insert 1 amino acid into the encoded protein. The variant allele was found at a frequency of 4e-06 in 250996 control chromosomes (gnomAD. The available data on variant occurrences in the general population are insufficient to allow any conclusion about variant significance. c.387_388insAAC has been reported in the literature in a newborn screening case with an inborn error of metabolism (Adhikari_2020). This report does not provide unequivocal conclusions about association of the variant with Propionic Acidemia. To our knowledge, no experimental evidence demonstrating an impact on protein function has been reported. No submitters have cited clinical-significance assessments for this variant to ClinVar. Based on the evidence outlined above, the variant was classified as uncertain significance.

Literature cited by the submitters: PubMed 32778825.

NM_000532.5(PCCB):c.387_388insAAC (p.Phe129_Gly130insAsn)

Gene: PCCB (propionyl-CoA carboxylase subunit beta; plus strand). Cytogenetic location: 3q22.3.
Variant type: Insertion.
Coding change: c.387_388insAAC on transcript NM_000532.5 (MANE Select); coding-DNA positions 387 to 388, AAC inserted.
Protein change: p.Phe129_Gly130insAsn.
Genome position: GRCh38 VCF-style: chr3-136260493-T-TAAC. GRCh37 (hg19) VCF-style: chr3-135979335-T-TAAC.
Other names: c.447_448insAAC, p.Phe149_Gly150insAsn (NM_001178014.2).
Identifiers: ClinVar variation 3366853 (VCV003366853.1).